The following is an entry in ClinVar:

NM_053025.4(MYLK):c.4992C>A (p.Asp1664Glu)

Genes: MYLK (myosin light chain kinase; minus strand), MYLK-AS1 (MYLK antisense RNA 1; plus strand), LOC126806791 (MED14-independent group 3 enhancer GRCh37_chr3:123347871-123349070; plus strand). Cytogenetic location: 3q21.1.
Variant type: single nucleotide variant.
Coding change: c.4992C>A on transcript NM_053025.4 (MANE Select); coding-DNA position 4992, C replaced by A.
Protein change: p.Asp1664Glu; replaces aspartic acid 1664 with glutamic acid.
Molecular consequence: missense variant. On other transcripts: non-coding transcript variant (2), intron variant (2).
Genome position (GRCh38, 1-based): chr3:123,629,596, G>T on the plus strand (C>A on the coding strand, the complement: MYLK is on the minus strand). VCF-style: chr3-123629596-G-T. GRCh37 (hg19) VCF-style: chr3-123348443-G-T.
Other names: c.4464C>A, p.Asp1488Glu (NM_001321309.2); c.4785C>A, p.Asp1595Glu (NM_053026.4); c.4755-2655C>A (NM_053028.4); c.4962-2655C>A (NM_053027.4); short protein forms D1664E, D1488E, D1595E.
Identifiers: ClinVar variation 539073 (VCV000539073.9), dbSNP rs1553774803, ClinGen allele CA354233372.

ClinVar aggregate classification (germline): Uncertain significance (1 of 4 stars; one submission).

Conditions:
Aortic aneurysm, familial thoracic 7 (AAT7). Also called: AORTIC DISSECTION, FAMILIAL, WITH OR WITHOUT AORTIC ANEURYSM. Identifiers: MedGen C3151077, MONDO:0013418, OMIM 613780.

Submission:

Labcorp Genetics (formerly Invitae), Labcorp
Classification: Uncertain significance for Aortic aneurysm, familial thoracic 7. Last evaluated: 2020-02-12. Review status: criteria provided, single submitter. Criteria: Invitae Variant Classification Sherloc (09022015). Collection method: clinical testing. Allele origin: germline.
Comment: In summary, the available evidence is currently insufficient to determine the role of this variant in disease. Therefore, it has been classified as a Variant of Uncertain Significance. Algorithms developed to predict the effect of missense changes on protein structure and function do not agree on the potential impact of this missense change (SIFT: "Deleterious"; PolyPhen-2: "Benign"; Align-GVGD: "Class C0"). This variant has not been reported in the literature in individuals with MYLK-related disease. This variant is not present in population databases (ExAC no frequency). This sequence change replaces aspartic acid with glutamic acid at codon 1664 of the MYLK protein (p.Asp1664Glu). The aspartic acid residue is highly conserved and there is a small physicochemical difference between aspartic acid and glutamic acid.